The following is an entry in ClinVar:

ClinVar aggregate classification (germline): Uncertain significance (1 of 4 stars; one submission).

Conditions:
Catecholaminergic polymorphic ventricular tachycardia (CVPT). Also called: Catecholamine-induced polymorphic ventricular tachycardia. Identifiers: Orphanet 3286, MedGen C5574922, MONDO:0017990.

Allele frequency attached by ClinVar (database versions not stated): gnomAD exomes below 0.00001.
gnomAD v4.1: 5 of 1,547,128 alleles (0.00032%); highest among the groups gnomAD compares: Non-Finnish European, 0.00044%; no homozygotes.

Submission:

All of Us Research Program, National Institutes of Health
Classification: Uncertain significance for Catecholaminergic polymorphic ventricular tachycardia. Last evaluated: 2023-08-15. Review status: criteria provided, single submitter. Criteria: ACMG Guidelines, 2015. Collection method: clinical testing. Allele origin: germline. Inheritance: Autosomal dominant inheritance. Observed: 1 variant allele, 1 heterozygote.
Comment: This missense variant replaces asparagine with serine at codon 930 of the RYR2 protein. Computational prediction suggests that this variant may not impact protein structure and function (internally defined REVEL score threshold <= 0.5, PMID: 27666373). To our knowledge, functional studies have not been reported for this variant. This variant has not been reported in individuals affected with RYR2-related disorders in the literature. This variant has not been identified in the general population by the Genome Aggregation Database (gnomAD). The available evidence is insufficient to determine the role of this variant in disease conclusively. Therefore, this variant is classified as a Variant of Uncertain Significance.

This study involves interpretation of variants in research participants for the purpose of population health screening. Participant phenotype was not available at the time of variant classification. Additional details can be found in publication PMID: 35346344, PMCID: PMC8962531

NM_001035.3(RYR2):c.2789A>G (p.Asn930Ser)

Gene: RYR2 (ryanodine receptor 2; plus strand). Cytogenetic location: 1q43.
Variant type: single nucleotide variant.
Coding change: c.2789A>G on transcript NM_001035.3 (MANE Select); coding-DNA position 2789, A replaced by G.
Protein change: p.Asn930Ser; replaces asparagine 930 with serine.
Molecular consequence: missense variant.
Genome position (GRCh38, 1-based): chr1:237,511,758, A>G. VCF-style: chr1-237511758-A-G. GRCh37 (hg19) VCF-style: chr1-237675058-A-G.
Other names: short protein forms N930S.
Identifiers: ClinVar variation 3072703 (VCV003072703.1), dbSNP rs1371322770, ClinGen allele CA345383448.